The following is an entry in ClinVar:

ClinVar aggregate classification (germline): Benign/Likely benign. Review status: criteria provided, multiple submitters, no conflicts (2 of 4 stars). 4 submissions from 4 submitters: Benign (1); Likely benign (3). Last evaluated 2026-01-06.

Conditions:
Peutz-Jeghers syndrome (PJS). Also called: POLYPOSIS, HAMARTOMATOUS INTESTINAL; POLYPS-AND-SPOTS SYNDROME; Peutz-Jeghers polyposis; Periorificial lentiginosis syndrome. Identifiers: Orphanet 2869, MedGen C0031269, MeSH D010580, MONDO:0008280, OMIM 175200.
Hereditary cancer-predisposing syndrome. Also called: Tumor predisposition; Hereditary Cancer Syndrome; Neoplastic Syndromes, Hereditary; Hereditary neoplastic syndrome. Identifiers: Orphanet 140162, MedGen C0027672, MeSH D009386, MONDO:0015356.

Allele frequency attached by ClinVar (database versions not stated): gnomAD exomes below 0.00001; gnomAD 0.00001.
gnomAD v4.1: 2 of 1,611,250 alleles (0.00012%); highest among the groups gnomAD compares: Non-Finnish European, 0.00017%; no homozygotes.

Submissions (4):

Labcorp Genetics (formerly Invitae), Labcorp
Classification: Likely benign for Peutz-Jeghers syndrome. Last evaluated: 2026-01-06. Review status: criteria provided, single submitter. Criteria: Invitae Variant Classification Sherloc (09022015). Collection method: clinical testing. Allele origin: germline.

Myriad Genetics, Inc.
Classification: Benign for Peutz-Jeghers syndrome. Last evaluated: 2025-03-28. Review status: criteria provided, single submitter. Criteria: Myriad Autosomal Dominant, Autosomal Recessive and X-Linked Classification Criteria (2023). Collection method: clinical testing. Allele origin: unknown.
Comment: This variant is considered benign. This variant is a silent/synonymous amino acid change and it is not expected to impact splicing.

All of Us Research Program, National Institutes of Health
Classification: Likely benign for Peutz-Jeghers syndrome. Last evaluated: 2023-09-04. Review status: criteria provided, single submitter. Criteria: ACMG Guidelines, 2015. Collection method: clinical testing. Allele origin: germline. Inheritance: Autosomal dominant inheritance. Observed: 1 variant allele, 1 heterozygote.
Comment: This study involves interpretation of variants in research participants for the purpose of population health screening. Participant phenotype was not available at the time of variant classification. Additional details can be found in publication PMID: 35346344, PMCID: PMC8962531

Ambry Genetics
Classification: Likely benign for Hereditary cancer-predisposing syndrome. Last evaluated: 2019-12-06. Review status: criteria provided, single submitter. Criteria: Ambry Variant Classification Scheme 2023. Collection method: clinical testing. Allele origin: germline.

NM_000455.5(STK11):c.1131C>T (p.Ala377=)

Gene: STK11 (serine/threonine kinase 11; plus strand). Cytogenetic location: 19p13.3.
Variant type: single nucleotide variant.
Coding change: c.1131C>T on transcript NM_000455.5 (MANE Select); coding-DNA position 1131, C replaced by T.
Protein change: p.Ala377=; no amino-acid change (alanine 377 retained).
Molecular consequence: synonymous variant.
Genome position (GRCh38, 1-based): chr19:1,226,476, C>T. VCF-style: chr19-1226476-C-T. GRCh37 (hg19) VCF-style: chr19-1226475-C-T.
Identifiers: ClinVar variation 766115 (VCV000766115.16), dbSNP rs1382505031, ClinGen allele CA504708384.